The following is an entry in ClinVar:

NM_001171613.2(PREPL):c.-49+1778C>A

Gene: PREPL (prolyl endopeptidase like; minus strand). Cytogenetic location: 2p21.
Variant type: single nucleotide variant.
Coding change: c.-49+1778C>A on transcript NM_001171613.2 (MANE Select); 1778 bases into the intron after 49 bases upstream of the start codon, C replaced by A.
Molecular consequence: intron variant. On other transcripts: nonsense (7).
Genome position (GRCh38, 1-based): chr2:44,359,602, G>T on the plus strand (C>A on the coding strand, the complement: PREPL is on the minus strand). VCF-style: chr2-44359602-G-T. GRCh37 (hg19) VCF-style: chr2-44586741-G-T.
Other names: c.114C>A, p.Tyr38Ter (NM_001042385.2, NM_001042386.2, NM_001171603.1 and 4 more transcripts); c.-49+1922C>A (NM_001171617.1); c.-49+1815C>A (NM_001374277.1); short protein forms Y38*.
Identifiers: ClinVar variation 1976666 (VCV001976666.5), dbSNP rs775136514, ClinGen allele CA346694952.

ClinVar aggregate classification (germline): Pathogenic (1 of 4 stars; one submission).

Conditions:
Myasthenic syndrome, congenital, 22 (CMS22). Also called: PREPL DEFICIENCY. Identifiers: MedGen C4479088, MONDO:0044299, OMIM 616224.

Allele frequency attached by ClinVar (database versions not stated): gnomAD 0.00001.

Submission:

Labcorp Genetics (formerly Invitae), Labcorp
Classification: Pathogenic for Myasthenic syndrome, congenital, 22. Last evaluated: 2022-03-14. Review status: criteria provided, single submitter. Criteria: Invitae Variant Classification Sherloc (09022015). Collection method: clinical testing. Allele origin: germline.
Comment: This variant has not been reported in the literature in individuals affected with PREPL-related conditions. This variant is present in population databases (no rsID available, gnomAD 0.01%). This sequence change creates a premature translational stop signal (p.Tyr38*) in the PREPL gene. It is expected to result in an absent or disrupted protein product. Loss-of-function variants in PREPL are known to be pathogenic (PMID: 24610330, 28726805, 29913539). For these reasons, this variant has been classified as Pathogenic.

Literature cited by the submitters: PubMed 24610330; PubMed 28726805; PubMed 29913539.